The following is an entry in ClinVar:

ClinVar aggregate classification (germline): Benign/Likely benign. Review status: criteria provided, multiple submitters, no conflicts (2 of 4 stars). 10 submissions from 10 submitters: Benign (8); Likely benign (1). 1 of the submissions does not count toward it. Last evaluated 2026-02-04.

Conditions:
Nemaline myopathy 2 (NEM2). Also called: Nemaline myopathy 2, autosomal recessive. Identifiers: MedGen C1850569, MONDO:0009725, OMIM 256030.
Arthrogryposis multiplex congenita 6. Identifiers: MedGen C5543431, MONDO:0030281, OMIM 619334.

Allele frequency attached by ClinVar (database versions not stated): gnomAD 0.00385 and 0.00324; TOPMed 0.00557; ExAC 0.00777; gnomAD exomes 0.00791; 1000 Genomes Project 30x 0.01327; 1000 Genomes Project 0.01458; ESP Exome Variant Server 0.00025.
gnomAD v4.1: 4,191 of 1,567,594 alleles (0.27%); highest among the groups gnomAD compares: East Asian, 5.5%; 90 homozygotes.

Submissions (10):

Labcorp Genetics (formerly Invitae), Labcorp
Classification: Benign for Nemaline myopathy 2. Last evaluated: 2026-02-04. Review status: criteria provided, single submitter. Criteria: Invitae Variant Classification Sherloc (09022015). Collection method: clinical testing. Allele origin: germline.

Athena Diagnostics
Classification: Benign. Last evaluated: 2025-05-09. Review status: criteria provided, single submitter. Criteria: Athena Diagnostics Criteria. Collection method: clinical testing. Allele origin: unknown.
Comment: The frequency of this variant in the general population is higher than would generally be expected for pathogenic variants in this gene.

Mayo Clinic Laboratories, Mayo Clinic
Classification: Benign. Last evaluated: 2024-02-17. Review status: criteria provided, single submitter. Criteria: ACMG Guidelines, 2015. Collection method: clinical testing. Allele origin: germline. Observed: 2 variant alleles.

Fulgent Genetics
Classification: Likely benign for Nemaline myopathy 2; Arthrogryposis multiplex congenita 6. Last evaluated: 2021-10-06. Review status: criteria provided, single submitter. Criteria: ACMG Guidelines, 2015. Collection method: clinical testing. Allele origin: unknown.

Illumina Laboratory Services, Illumina
Classification: Benign for Nemaline myopathy 2. Last evaluated: 2018-01-13. Review status: criteria provided, single submitter. Criteria: ICSL Variant Classification Criteria 13 December 2019. Collection method: clinical testing. Allele origin: germline.
Comment: This variant was observed in the ICSL laboratory as part of a predisposition screen in an ostensibly healthy population. It had not been previously curated by ICSL or reported in the Human Gene Mutation Database (HGMD: prior to June 1st, 2018), and was therefore a candidate for classification through an automated scoring system. Utilizing variant allele frequency, disease prevalence and penetrance estimates, and inheritance mode, an automated score was calculated to assess if this variant is too frequent to cause the disease. Based on the score and internal cut-off values, a variant classified as benign is not then subjected to further curation. The score for this variant resulted in a classification of benign for this disease.

GeneDx
Classification: Benign. Last evaluated: 2016-05-18. Review status: criteria provided, single submitter. Criteria: GeneDx Variant Classification (06012015). Collection method: clinical testing. Allele origin: germline. Affected: yes.
Comment: This variant is considered likely benign or benign based on one or more of the following criteria: it is a conservative change, it occurs at a poorly conserved position in the protein, it is predicted to be benign by multiple in silico algorithms, and/or has population frequency not consistent with disease.

Eurofins Ntd Llc (ga)
Classification: Benign. Last evaluated: 2015-02-13. Review status: criteria provided, single submitter. Criteria: EGL Classification Definitions 2015. Collection method: clinical testing. Allele origin: germline. Observed: 1 variant allele, 1 heterozygote.

Breakthrough Genomics
Classification: Benign. Review status: criteria provided, single submitter. Criteria: ACMG Guidelines, 2015. Collection method: not provided. Allele origin: germline. Inheritance: Autosomal recessive inheritance. Affected: yes.

PreventionGenetics, part of Exact Sciences
Classification: Benign. Review status: criteria provided, single submitter. Criteria: ACMG Guidelines, 2015. Collection method: clinical testing. Allele origin: germline.

Genetic Services Laboratory, University of Chicago
Classification: Likely benign for AllHighlyPenetrant. Review status: no assertion criteria provided. Collection method: clinical testing. Allele origin: germline. Inheritance: Autosomal recessive inheritance. Not counted in ClinVar's aggregate classification.
Comment: Likely benign based on allele frequency in 1000 Genomes Project or ESP global frequency and its presence in a patient with a rare or unrelated disease phenotype. NOT Sanger confirmed.

NM_001164508.2(NEB):c.1675-9T>G

Gene: NEB (nebulin; minus strand). Cytogenetic location: 2q23.3.
Variant type: single nucleotide variant.
Coding change: c.1675-9T>G on transcript NM_001164508.2 (MANE Select); 9 bases into the intron before coding-DNA position 1675, T replaced by G.
Molecular consequence: intron variant.
Genome position (GRCh38, 1-based): chr2:151,694,638, A>C on the plus strand (T>G on the coding strand, the complement: NEB is on the minus strand). VCF-style: chr2-151694638-A-C. GRCh37 (hg19) VCF-style: chr2-152551152-A-C.
Other names: p.?; c.1675-9T>G (NM_004543.5, NM_001164507.2, NM_001271208.2).
Identifiers: ClinVar variation 129727 (VCV000129727.29), dbSNP rs75118047, ClinGen allele CA153947.
Genomic context (GRCh38, chr2:151,694,638, plus strand): 5'-TAATGTCAAACTTTTTGGCTTTGCTCTTCTCCCAGTCTTGCTTATAAAGATTCTGGACAA[A>C]AAAATTCAGCAAAGGAATTGGCAAAAGTGATATGCATGTCACGACCTTTAAAGACTAGTG-3'